The following is an entry in ClinVar:

NM_000064.4(C3):c.1028G>A (p.Arg343His)

Gene: C3 (complement C3; minus strand). Cytogenetic location: 19p13.3.
Variant type: single nucleotide variant.
Coding change: c.1028G>A on transcript NM_000064.4 (MANE Select); coding-DNA position 1028, G replaced by A.
Protein change: p.Arg343His; replaces arginine 343 with histidine.
Molecular consequence: missense variant.
Genome position (GRCh38, 1-based): chr19:6,712,599, C>T on the plus strand (G>A on the coding strand, the complement: C3 is on the minus strand). VCF-style: chr19-6712599-C-T. GRCh37 (hg19) VCF-style: chr19-6712610-C-T.
Other names: p.Arg343His; c.1028G>A (NM_000064.3, NM_000064.2); short protein forms R343H.
Identifiers: ClinVar variation 1012918 (VCV001012918.46), dbSNP rs373511900, ClinGen allele CA9129579.

ClinVar aggregate classification (germline): Conflicting classifications of pathogenicity. Review status: criteria provided, conflicting classifications (1 of 4 stars). 5 submissions from 5 submitters: Uncertain significance (4); Likely benign (1). Last evaluated 2025-10-14.

Conditions:
Inborn genetic diseases. Identifiers: MedGen C0950123, MeSH D030342.
Atypical hemolytic-uremic syndrome. Identifiers: Orphanet 2134, MedGen C2931788, MONDO:0016244.

Allele frequency attached by ClinVar (database versions not stated): gnomAD exomes below 0.00001 and 0.00002; ExAC 0.00002; TOPMed 0.00002; gnomAD 0.00003 and 0.00004; ESP Exome Variant Server 0.00008.
gnomAD v4.1: 11 of 1,613,966 alleles (0.00068%); highest among the groups gnomAD compares: African/African-American, 0.0053%; no homozygotes.

Submissions (5):

Labcorp Genetics (formerly Invitae), Labcorp
Classification: Uncertain significance. Last evaluated: 2025-10-14. Review status: criteria provided, single submitter. Criteria: Invitae Variant Classification Sherloc (09022015). Collection method: clinical testing. Allele origin: germline.
Comment: This sequence change replaces arginine, which is basic and polar, with histidine, which is basic and polar, at codon 343 of the C3 protein (p.Arg343His). This variant is present in population databases (rs373511900, gnomAD 0.005%). This missense change has been observed in individual(s) with atypical hemolytic uremic syndrome (PMID: 27064621). ClinVar contains an entry for this variant (Variation ID: 1012918). Invitae Evidence Modeling of protein sequence and biophysical properties (such as structural, functional, and spatial information, amino acid conservation, physicochemical variation, residue mobility, and thermodynamic stability) indicates that this missense variant is not expected to disrupt C3 protein function with a negative predictive value of 80%. In summary, the available evidence is currently insufficient to determine the role of this variant in disease. Therefore, it has been classified as a Variant of Uncertain Significance.

Genomenon, Inc
Classification: Uncertain significance for Atypical hemolytic-uremic syndrome. Last evaluated: 2025-09-30. Review status: criteria provided, single submitter. Criteria: Genomenon Sequence Variant Interpretation Standards. Collection method: curation. Allele origin: germline. Affected: yes.
Comment: C3 p.Arg343His (c.1028G>A) is a missense variant that changes the amino acid at residue 343 from Arginine to Histidine. This variant has been observed in at least one proband affected with atypical hemolytic-uremic syndrome (PMID:27064621). It is absent or not present at a significant frequency in gnomAD. In silico models agree that this variant is not damaging. In conclusion, we classify C3 p.Arg343His (c.1028G>A) as a variant of unknown significance.

Ambry Genetics
Classification: Likely benign for Inborn genetic diseases. Last evaluated: 2025-06-13. Review status: criteria provided, single submitter. Criteria: Ambry Variant Classification Scheme 2023. Collection method: clinical testing. Allele origin: germline.

Mayo Clinic Laboratories, Mayo Clinic
Classification: Uncertain significance. Last evaluated: 2022-07-13. Review status: criteria provided, single submitter. Criteria: ACMG Guidelines, 2015. Collection method: clinical testing. Allele origin: germline. Observed: 1 variant allele.
Comment: BP4

CeGaT Center for Human Genetics Tuebingen
Classification: Uncertain significance. Last evaluated: 2020-08-01. Review status: criteria provided, single submitter. Criteria: CeGaT Center For Human Genetics Tuebingen Variant Classification Criteria Version 2. Collection method: clinical testing. Allele origin: germline. Affected: yes. Observed: 2 variant alleles.

Literature cited by the submitters: PubMed 27064621 (cited by 3 submitters).